The following is an entry in ClinVar:

NM_005708.5(GPC6):c.1153G>A (p.Val385Ile)

Gene: GPC6 (glypican 6; plus strand). Cytogenetic location: 13q31.3.
Variant type: single nucleotide variant.
Coding change: c.1153G>A on transcript NM_005708.5 (MANE Select); coding-DNA position 1153, G replaced by A.
Protein change: p.Val385Ile; replaces valine 385 with isoleucine.
Molecular consequence: missense variant.
Genome position (GRCh38, 1-based): chr13:94,382,414, G>A. VCF-style: chr13-94382414-G-A. GRCh37 (hg19) VCF-style: chr13-95034668-G-A.
Other names: short protein forms V385I.
Identifiers: ClinVar variation 4711730 (VCV004711730.1).

ClinVar aggregate classification (germline): Uncertain significance (1 of 4 stars; one submission).

Submission:

Labcorp Genetics (formerly Invitae), Labcorp
Classification: Uncertain significance. Last evaluated: 2025-03-19. Review status: criteria provided, single submitter. Criteria: Invitae Variant Classification Sherloc (09022015). Collection method: clinical testing. Allele origin: germline.
Comment: This sequence change replaces valine, which is neutral and non-polar, with isoleucine, which is neutral and non-polar, at codon 385 of the GPC6 protein (p.Val385Ile). This variant is present in population databases (no rsID available, gnomAD 0.006%). This variant has not been reported in the literature in individuals affected with GPC6-related conditions. An algorithm developed to predict the effect of missense changes on protein structure and function (PolyPhen-2) suggests that this variant is likely to be tolerated. In summary, the available evidence is currently insufficient to determine the role of this variant in disease. Therefore, it has been classified as a Variant of Uncertain Significance.